The following is an entry in ClinVar:

NM_012463.4(ATP6V0A2):c.2340C>T (p.Arg780=)

Gene: ATP6V0A2 (ATPase H+ transporting V0 subunit a2; plus strand). Cytogenetic location: 12q24.31.
Variant type: single nucleotide variant.
Coding change: c.2340C>T on transcript NM_012463.4 (MANE Select); coding-DNA position 2340, C replaced by T.
Protein change: p.Arg780=; no amino-acid change (arginine 780 retained).
Molecular consequence: synonymous variant.
Genome position (GRCh38, 1-based): chr12:123,756,861, C>T. VCF-style: chr12-123756861-C-T. GRCh37 (hg19) VCF-style: chr12-124241408-C-T.
Identifiers: ClinVar variation 514843 (VCV000514843.34), dbSNP rs201694504, ClinGen allele CA6862223.

ClinVar aggregate classification (germline): Benign/Likely benign. Review status: criteria provided, multiple submitters, no conflicts (2 of 4 stars). 5 submissions from 5 submitters: Benign (1); Likely benign (4). Last evaluated 2026-01-21.

Conditions:
ATP6V0A2-related disorder. Also called: ATP6V0A2-related condition.
ALG9 congenital disorder of glycosylation (CDG1L). Also called: CONGENITAL DISORDER OF GLYCOSYLATION, TYPE Il; ALG9-CDG; CDG Il. Identifiers: Orphanet 79328, MedGen C2931006, MONDO:0012117, OMIM 608776.

Allele frequency attached by ClinVar (database versions not stated): TOPMed 0.00008; gnomAD 0.00011 and 0.00018; 1000 Genomes Project 30x 0.00016; 1000 Genomes Project 0.00020; gnomAD exomes 0.00030 and 0.00048; ExAC 0.00058.
gnomAD v4.1: 463 of 1,614,216 alleles (0.029%); highest among the groups gnomAD compares: South Asian, 0.34%; 2 homozygotes.

Submissions (5):

Labcorp Genetics (formerly Invitae), Labcorp
Classification: Benign for ALG9 congenital disorder of glycosylation. Last evaluated: 2026-01-21. Review status: criteria provided, single submitter. Criteria: Invitae Variant Classification Sherloc (09022015). Collection method: clinical testing. Allele origin: germline.

PreventionGenetics, part of Exact Sciences
Classification: Likely benign for ATP6V0A2-related condition. Last evaluated: 2025-04-02. Review status: criteria provided, single submitter. Criteria: ACMG Guidelines, 2015. Collection method: clinical testing. Allele origin: germline.
Comment: This variant is classified as likely benign based on ACMG/AMP sequence variant interpretation guidelines (Richards et al. 2015 PMID: 25741868, with internal and published modifications).

Blueprint Genetics
Classification: Likely benign. Last evaluated: 2024-07-16. Review status: criteria provided, single submitter. Criteria: ACMG Guidelines, 2015. Collection method: clinical testing. Allele origin: germline.

CeGaT Center for Human Genetics Tuebingen
Classification: Likely benign. Last evaluated: 2023-12-01. Review status: criteria provided, single submitter. Criteria: CeGaT Center For Human Genetics Tuebingen Variant Classification Criteria Version 2. Collection method: clinical testing. Allele origin: germline. Affected: yes. Observed: 1 variant allele.
Comment: ATP6V0A2: BP4, BP7

GeneDx
Classification: Likely benign. Last evaluated: 2021-03-25. Review status: criteria provided, single submitter. Criteria: GeneDx Variant Classification Process June 2021. Collection method: clinical testing. Allele origin: germline. Affected: yes.